The following is an entry in ClinVar:

ClinVar aggregate classification (germline): Uncertain significance. Review status: criteria provided, multiple submitters, no conflicts (2 of 4 stars). 2 submissions from 2 submitters: Uncertain significance (2). Last evaluated 2025-06-22.

Conditions:
Inborn genetic diseases. Identifiers: MedGen C0950123, MeSH D030342.
Glomerulotubular Nephropathy. Identifiers: MedGen CN380061.

Allele frequency attached by ClinVar (database versions not stated): TOPMed below 0.00001; gnomAD 0.00001.
gnomAD v4.1: 5 of 1,613,698 alleles (0.00031%); highest among the groups gnomAD compares: East Asian, 0.0022%; no homozygotes.

Submissions (2):

Ambry Genetics
Classification: Uncertain significance for Inborn genetic diseases. Last evaluated: 2025-06-22. Review status: criteria provided, single submitter. Criteria: Ambry Variant Classification Scheme 2023. Collection method: clinical testing. Allele origin: germline.

Neuberg Centre For Genomic Medicine, NCGM
Classification: Uncertain significance for Glomerulotubular Nephropathy. Review status: criteria provided, single submitter. Criteria: ACMG Guidelines, 2015. Collection method: clinical testing. Allele origin: germline. Affected: yes.
Comment: The missense variant p.E4274K in FAT1 (NM_005245.4) has not been reported previously as a pathogenic variant nor as a benign variant, to our knowledge. The p.E4274K variant is novel (not in any individuals) in gnomAD Exomes and is novel (not in any individuals) in 1000 Genomes. The p.E4274K missense variant is predicted to be damaging by both SIFT and PolyPhen2. The glutamic acid residue at codon 4274 of FAT1 is conserved in all mammalian species. The nucleotide c.12820 in FAT1 is predicted conserved by GERP++ and PhyloP across 100 vertebrates. For these reasons, this variant has been classified as Uncertain Significance.

NM_005245.4(FAT1):c.12820G>A (p.Glu4274Lys)

Gene: FAT1 (FAT atypical cadherin 1; minus strand). Cytogenetic location: 4q35.2.
Variant type: single nucleotide variant.
Coding change: c.12820G>A on transcript NM_005245.4 (MANE Select); coding-DNA position 12820, G replaced by A.
Protein change: p.Glu4274Lys; replaces glutamic acid 4274 with lysine.
Molecular consequence: missense variant.
Genome position (GRCh38, 1-based): chr4:186,596,720, C>T on the plus strand (G>A on the coding strand, the complement: FAT1 is on the minus strand). VCF-style: chr4-186596720-C-T. GRCh37 (hg19) VCF-style: chr4-187517874-C-T.
Other names: c.12820G>A (NM_005245.3); short protein forms E4274K.
Identifiers: ClinVar variation 1339221 (VCV001339221.3), dbSNP rs983524169, ClinGen allele CA112153038.